The following is an entry in ClinVar:

ClinVar aggregate classification (germline): Uncertain significance. Review status: criteria provided, multiple submitters, no conflicts (2 of 4 stars). 2 submissions from 2 submitters: Uncertain significance (2). Last evaluated 2023-10-05.

Conditions:
Epilepsy, early-onset, with or without developmental delay. Identifiers: MedGen C5882670, MONDO:0030005, OMIM 618832.
Inborn genetic diseases. Identifiers: MedGen C0950123, MeSH D030342.

Allele frequency attached by ClinVar (database versions not stated): gnomAD 0.00001; ExAC 0.00004; 1000 Genomes Project 30x 0.00016; 1000 Genomes Project 0.00020.
gnomAD v4.1: 19 of 1,614,214 alleles (0.0012%); highest among the groups gnomAD compares: South Asian, 0.021%; no homozygotes.

Submissions (2):

Ambry Genetics
Classification: Uncertain significance for Inborn genetic diseases. Last evaluated: 2023-10-05. Review status: criteria provided, single submitter. Criteria: Ambry Variant Classification Scheme 2023. Collection method: clinical testing. Allele origin: germline.

Neuberg Centre For Genomic Medicine, NCGM
Classification: Uncertain significance for Epilepsy, early-onset, with or without developmental delay. Last evaluated: 2023-05-20. Review status: criteria provided, single submitter. Criteria: ACMG Guidelines, 2015. Collection method: clinical testing. Allele origin: germline. Inheritance: Autosomal dominant inheritance. Affected: yes.
Comment: The observed missense c.1577C>G (p.Thr526Arg) variant in SETD1A gene has not been reported previously as a pathogenic variant nor as a benign variant, to our knowledge. This variant is present with allele frequency of 0.002% in the gnomAD Exomes. This variant has not been submitted to the ClinVar database. Multiple lines of computational evidence (Polyphen - Benign, SIFT - Tolerated and MutationTaster - Polymorphism) predict no damaging effect on protein structure and function for this variant. The amino acid change p.Thr526Arg in SETD1A is predicted as conserved by GERP++ and PhyloP across 100 vertebrates. The amino acid Thr at position 526 is changed to a Arg changing protein sequence and it might alter its composition and physico-chemical properties. For these reasons, this variant has been classified as a Variant of Uncertain Significance (VUS).

NM_014712.3(SETD1A):c.1577C>G (p.Thr526Arg)

Gene: SETD1A (SET domain containing 1A, histone lysine methyltransferase; plus strand). Cytogenetic location: 16p11.2.
Variant type: single nucleotide variant.
Coding change: c.1577C>G on transcript NM_014712.3 (MANE Select); coding-DNA position 1577, C replaced by G.
Protein change: p.Thr526Arg; replaces threonine 526 with arginine.
Molecular consequence: missense variant.
Genome position (GRCh38, 1-based): chr16:30,965,319, C>G. VCF-style: chr16-30965319-C-G. GRCh37 (hg19) VCF-style: chr16-30976640-C-G.
Other names: short protein forms T526R.
Identifiers: ClinVar variation 3160578 (VCV003160578.2), dbSNP rs545733263, ClinGen allele CA8016699.